The following is an entry in ClinVar:

NM_007294.4(BRCA1):c.456del (p.Ser153fs)

Gene: BRCA1 (BRCA1 DNA repair associated; minus strand). Cytogenetic location: 17q21.31.
Variant type: Deletion.
Coding change: c.456del on transcript NM_007294.4 (MANE Select); coding-DNA position 456, one base deleted (C; older notation c.456delC).
Protein change: p.Ser153fs; shifts the reading frame from serine 153.
Molecular consequence: frameshift variant. On other transcripts: non-coding transcript variant (1).
Genome position (GRCh38, 1-based): chr17:43,099,866, G deleted on the plus strand (C on the coding strand, the reverse complement: BRCA1 is on the minus strand). VCF-style (leftmost placement, unchanged base first): chr17-43099865-TG-T. GRCh37 (hg19) VCF-style: chr17-41251882-TG-T.
Other names: c.315delC, p.Ser106Valfs (NM_001407751.1, NM_001407752.1, NM_001407850.1 and 60 more transcripts); c.312delC, p.Ser105Valfs (NM_001407838.1, NM_001407839.1, NM_001407841.1 and 35 more transcripts); c.243delC, p.Ser82Valfs (NM_001407853.1, NM_001407894.1, NM_001407895.1 and 18 more transcripts); c.456delC, p.Ser153Valfs (NM_001407854.1, NM_001407858.1, NM_001407859.1 and 95 more transcripts); c.453delC, p.Ser152Valfs (NM_001407860.1, NM_001407861.1, NM_001407940.1 and 65 more transcripts); c.378delC, p.Ser127Valfs (NM_001407862.1, NM_001408409.1, NM_001408411.1 and 12 more transcripts); c.375delC, p.Ser126Valfs (NM_001407874.1, NM_001407875.1, NM_001408413.1 and 6 more transcripts); c.246delC, p.Ser83Valfs (NM_001407879.1, NM_001407881.1, NM_001407882.1 and 37 more transcripts); and 6 more; short protein forms S153fs, S106fs.
Identifiers: ClinVar variation 232543 (VCV000232543.6), dbSNP rs876659830, ClinGen allele CA10580697.

ClinVar aggregate classification (germline): Pathogenic. Review status: reviewed by expert panel (3 of 4 stars). 2 submissions from 2 submitters: Pathogenic (1). 1 of the submissions does not count toward it. Last evaluated 2017-12-15.

Conditions:
Breast-ovarian cancer, familial, susceptibility to, 1 (BROVCA1). Also called: BRCA1 Hereditary Breast and Ovarian Cancer; OVARIAN CANCER, SUSCEPTIBILITY TO. Identifiers: Orphanet 145, MedGen C2676676, MONDO:0011450, OMIM 604370. Disease mechanism: loss of function.
Hereditary cancer-predisposing syndrome. Also called: Tumor predisposition; Hereditary Cancer Syndrome; Neoplastic Syndromes, Hereditary; Hereditary neoplastic syndrome. Identifiers: Orphanet 140162, MedGen C0027672, MeSH D009386, MONDO:0015356.

Submissions (2):

Evidence-based Network for the Interpretation of Germline Mutant Alleles (ENIGMA)
Classification: Pathogenic for Breast-ovarian cancer, familial, susceptibility to, 1. Last evaluated: 2017-12-15. Review status: reviewed by expert panel. Criteria: ENIGMA BRCA1/2 Classification Criteria (2017-06-29). Collection method: curation. Allele origin: germline. Study: ENIGMA.
Comment: Variant allele predicted to encode a truncated non-functional protein.

Ambry Genetics
Classification: Pathogenic for Hereditary cancer-predisposing syndrome. Last evaluated: 2015-06-17. Review status: criteria provided, single submitter. Criteria: Ambry Variant Classification Scheme 2023. Collection method: clinical testing. Allele origin: germline. Not counted in ClinVar's aggregate classification.
Comment: The c.456delC pathogenic mutation (also known as 575delC), located in coding exon 6 of the BRCA1 gene, results from a deletion of one nucleotide at position 456, causing a translational frameshift with a predicted alternate stop codon. Since frameshifts are typically deleterious in nature, this alteration is interpreted as a disease-causing mutation (ACMG Recommendations for Standards for Interpretation and Reporting of Sequence Variations. Revision 2007. Genet Med. 2008;10:294).